The following is an entry in ClinVar:

NM_001171.6(ABCC6):c.2104G>C (p.Val702Leu)

Gene: ABCC6 (ATP binding cassette subfamily C member 6; minus strand). Cytogenetic location: 16p13.11.
Variant type: single nucleotide variant.
Coding change: c.2104G>C on transcript NM_001171.6 (MANE Select); coding-DNA position 2104, G replaced by C.
Protein change: p.Val702Leu; replaces valine 702 with leucine.
Molecular consequence: missense variant. On other transcripts: non-coding transcript variant (1).
Genome position (GRCh38, 1-based): chr16:16,182,555, C>G on the plus strand (G>C on the coding strand, the complement: ABCC6 is on the minus strand). VCF-style: chr16-16182555-C-G. GRCh37 (hg19) VCF-style: chr16-16276412-C-G.
Other names: c.1762G>C, p.Val588Leu (NM_001351800.1); short protein forms V588L, V702L.
Identifiers: ClinVar variation 1449564 (VCV001449564.8), dbSNP rs893859633, ClinGen allele CA394888523.
Genomic context (GRCh38, chr16:16,182,555, plus strand): 5'-GCCAGGGTGGGTCCAGCTCCTGCCCGAAGCACACATTCTCTACCACAGAGGTGTTCTGCA[C>G]CCAGGCCTCCTGGGGCACGTAGGCCACAGCACCCTAAAACACAACTTACTTTGGTCACAG-3'
Protein context (NP_001162.5, residues 692-712): AVAYVPQEAW[Val702Leu]QNTSVVENVC

ClinVar aggregate classification (germline): Uncertain significance. Review status: criteria provided, multiple submitters, no conflicts (2 of 4 stars). 2 submissions from 2 submitters: Uncertain significance (2). Last evaluated 2021-08-03.

Conditions:
Arterial calcification, generalized, of infancy, 2. Identifiers: Orphanet 51608, MedGen C3276161, MONDO:0013768, OMIM 614473.
Autosomal recessive inherited pseudoxanthoma elasticum (PXE). Identifiers: Orphanet 758, MedGen CN032334, MONDO:0009925, OMIM 264800.
Pseudoxanthoma elasticum, forme fruste. Also called: Pseudoxanthoma Elasticum, Incomplete; PSEUDOXANTHOMA ELASTICUM, HETEROZYGOUS. Identifiers: Orphanet 758, MedGen C1867450, MONDO:0008333, OMIM 177850.

gnomAD v4.1: 3 of 1,613,328 alleles (0.00019%); highest among the groups gnomAD compares: Non-Finnish European, 0.00025%; no homozygotes.

Submissions (2):

Fulgent Genetics
Classification: Uncertain significance for Pseudoxanthoma elasticum, forme fruste; Autosomal recessive inherited pseudoxanthoma elasticum; Arterial calcification, generalized, of infancy, 2. Last evaluated: 2021-08-03. Review status: criteria provided, single submitter. Criteria: ACMG Guidelines, 2015. Collection method: clinical testing. Allele origin: unknown.

Labcorp Genetics (formerly Invitae), Labcorp
Classification: Uncertain significance. Last evaluated: 2021-07-10. Review status: criteria provided, single submitter. Criteria: Invitae Variant Classification Sherloc (09022015). Collection method: clinical testing. Allele origin: germline.
Comment: This sequence change replaces valine with leucine at codon 702 of the ABCC6 protein (p.Val702Leu). The valine residue is weakly conserved and there is a small physicochemical difference between valine and leucine. This variant is not present in population databases (ExAC no frequency). This variant has not been reported in the literature in individuals affected with ABCC6-related conditions. Algorithms developed to predict the effect of missense changes on protein structure and function output the following: SIFT: "Tolerated"; PolyPhen-2: "Benign"; Align-GVGD: "Class C0". The leucine amino acid residue is found in multiple mammalian species, which suggests that this missense change does not adversely affect protein function. In summary, the available evidence is currently insufficient to determine the role of this variant in disease. Therefore, it has been classified as a Variant of Uncertain Significance.